The following is an entry in ClinVar:

ClinVar aggregate classification (germline): Uncertain significance (1 of 4 stars; one submission).

Conditions:
Tumor predisposition syndrome 3 (TPDS3). Also called: Melanoma, cutaneous malignant, susceptibility to, 10; Glioma susceptibility 9; LONG TELOMERE SYNDROME, POT1-RELATED; POT1 Tumor Predisposition. Identifiers: Orphanet 618, MedGen C4014476, MONDO:0014368, OMIM 615848.

Submission:

Labcorp Genetics (formerly Invitae), Labcorp
Classification: Uncertain significance for Tumor predisposition syndrome 3. Last evaluated: 2024-04-10. Review status: criteria provided, single submitter. Criteria: Invitae Variant Classification Sherloc (09022015). Collection method: clinical testing. Allele origin: germline.
Comment: This sequence change replaces methionine, which is neutral and non-polar, with threonine, which is neutral and polar, at codon 544 of the POT1 protein (p.Met544Thr). This variant is not present in population databases (gnomAD no frequency). This variant has not been reported in the literature in individuals affected with POT1-related conditions. ClinVar contains an entry for this variant (Variation ID: 2005990). Advanced modeling of protein sequence and biophysical properties (such as structural, functional, and spatial information, amino acid conservation, physicochemical variation, residue mobility, and thermodynamic stability) performed at Invitae indicates that this missense variant is not expected to disrupt POT1 protein function with a negative predictive value of 80%. In summary, the available evidence is currently insufficient to determine the role of this variant in disease. Therefore, it has been classified as a Variant of Uncertain Significance.

NM_015450.3(POT1):c.1631T>C (p.Met544Thr)

Gene: POT1 (protection of telomeres 1; minus strand). Cytogenetic location: 7q31.33.
Variant type: single nucleotide variant.
Coding change: c.1631T>C on transcript NM_015450.3 (MANE Select); coding-DNA position 1631, T replaced by C.
Protein change: p.Met544Thr; replaces methionine 544 with threonine.
Molecular consequence: missense variant. On other transcripts: non-coding transcript variant (3).
Genome position (GRCh38, 1-based): chr7:124,827,269, A>G on the plus strand (T>C on the coding strand, the complement: POT1 is on the minus strand). VCF-style: chr7-124827269-A-G. GRCh37 (hg19) VCF-style: chr7-124467323-A-G.
Other names: c.1238T>C, p.Met413Thr (NM_001042594.2); short protein forms M413T, M544T.
Identifiers: ClinVar variation 2005990 (VCV002005990.4), dbSNP rs2485345268, ClinGen allele CA369063119.
Genomic context (GRCh38, chr7:124,827,269, plus strand): 5'-CTTACAGAATCCATGAGATAGGCTTCTAGTACTCCTGTTCCATCATCAAGTGTAAAGGTC[A>G]TAACAAACACATATTGGAGGGGTACAATACCCAGTGCTAGTGAAGGAAAAAAAGATCAAA-3'
Protein context (NP_056265.2, residues 534-554): GIVPLQYVFV[Met544Thr]TFTLDDGTGV